The following is an entry in ClinVar:

ClinVar aggregate classification (germline): Uncertain significance (1 of 4 stars; one submission).

Submission:

Labcorp Genetics (formerly Invitae), Labcorp
Classification: Uncertain significance. Last evaluated: 2024-03-07. Review status: criteria provided, single submitter. Criteria: Invitae Variant Classification Sherloc (09022015). Collection method: clinical testing. Allele origin: germline.
Comment: This sequence change affects codon 109 of the FZD2 mRNA. It is a 'silent' change, meaning that it does not change the encoded amino acid sequence of the FZD2 protein. This variant is present in population databases (no rsID available, gnomAD no frequency). This variant has not been reported in the literature in individuals affected with FZD2-related conditions. In summary, the available evidence is currently insufficient to determine the role of this variant in disease. Therefore, it has been classified as a Variant of Uncertain Significance.

NM_001466.4(FZD2):c.327G>C (p.Pro109=)

Gene: FZD2 (frizzled class receptor 2; plus strand). Cytogenetic location: 17q21.31.
Variant type: single nucleotide variant.
Coding change: c.327G>C on transcript NM_001466.4 (MANE Select); coding-DNA position 327, G replaced by C.
Protein change: p.Pro109=; no amino-acid change (proline 109 retained).
Molecular consequence: synonymous variant.
Genome position (GRCh38, 1-based): chr17:44,558,015, G>C. VCF-style: chr17-44558015-G-C. GRCh37 (hg19) VCF-style: chr17-42635383-G-C.
Identifiers: ClinVar variation 3617600 (VCV003617600.2).